The following is an entry in ClinVar:

NM_130384.3(ATRIP):c.437G>C (p.Arg146Pro)

Genes: ATRIP (ATR interacting protein; plus strand), ATRIP-TREX1 (ATRIP-TREX1 readthrough; plus strand). Cytogenetic location: 3p21.31.
Variant type: single nucleotide variant.
Coding change: c.437G>C on transcript NM_130384.3 (MANE Select); coding-DNA position 437, G replaced by C.
Protein change: p.Arg146Pro; replaces arginine 146 with proline.
Molecular consequence: missense variant. On other transcripts: non-coding transcript variant (1).
Genome position (GRCh38, 1-based): chr3:48,451,784, G>C. VCF-style: chr3-48451784-G-C. GRCh37 (hg19) VCF-style: chr3-48493190-G-C.
Other names: c.158G>C, p.Arg53Pro (NM_001271023.2); c.437G>C, p.Arg146Pro (NM_032166.4); c.56G>C, p.Arg19Pro (NM_001271022.2); short protein forms R146P, R19P, R53P.
Identifiers: ClinVar variation 4644529 (VCV004644529.1).
Genomic context (GRCh38, chr3:48,451,784, plus strand): 5'-TACAGATGAAAGTAATGGAAGAAGAAGTTCTCATTAAGAATGGAGAAATTAAAATTTTGC[G>C]AGACTCACTACATCAGACGGAATCCGTTCTAGAGGAACAGAGAAGATCACATTTTCTTCT-3'
Protein context (NP_569055.1, residues 136-156): LIKNGEIKIL[Arg146Pro]DSLHQTESVL

ClinVar aggregate classification (germline): Uncertain significance (1 of 4 stars; one submission).

Submission:

Ambry Genetics
Classification: Uncertain significance. Last evaluated: 2025-10-06. Review status: criteria provided, single submitter. Criteria: Ambry Variant Classification Scheme 2023. Collection method: clinical testing. Allele origin: germline.
Comment: The p.R146P variant (also known as c.437G>C), located in coding exon 3 of the ATRIP gene, results from a G to C substitution at nucleotide position 437. The arginine at codon 146 is replaced by proline, an amino acid with dissimilar properties. This amino acid position is conserved. In addition, this alteration is predicted to be deleterious by in silico analysis. Based on the available evidence, the clinical significance of this variant remains unclear.